The following is an entry in ClinVar:

NM_004055.5(CAPN5):c.1603+2T>G

Gene: CAPN5 (calpain 5; plus strand). Cytogenetic location: 11q13.5.
Variant type: single nucleotide variant.
Coding change: c.1603+2T>G on transcript NM_004055.5 (MANE Select); the canonical splice donor site of the intron after coding-DNA position 1603, T replaced by G.
Molecular consequence: splice donor variant.
Genome position (GRCh38, 1-based): chr11:77,122,051, T>G. VCF-style: chr11-77122051-T-G. GRCh37 (hg19) VCF-style: chr11-76833097-T-G.
Identifiers: ClinVar variation 1024480 (VCV001024480.7), dbSNP rs1950525000, ClinGen allele CA381943749.

ClinVar aggregate classification (germline): Uncertain significance (1 of 4 stars; one submission).

Submission:

Labcorp Genetics (formerly Invitae), Labcorp
Classification: Uncertain significance. Last evaluated: 2024-11-11. Review status: criteria provided, single submitter. Criteria: Invitae Variant Classification Sherloc (09022015). Collection method: clinical testing. Allele origin: germline.
Comment: This sequence change affects a donor splice site in intron 11 of the CAPN5 gene. It is expected to disrupt RNA splicing. Variants that disrupt the donor or acceptor splice site typically lead to a loss of protein function (PMID: 16199547), however the current clinical and genetic evidence is not sufficient to establish whether loss-of-function variants in CAPN5 cause disease. This variant is not present in population databases (gnomAD no frequency). This variant has not been reported in the literature in individuals affected with CAPN5-related conditions. ClinVar contains an entry for this variant (Variation ID: 1024480). Algorithms developed to predict the effect of sequence changes on RNA splicing suggest that this variant may disrupt the consensus splice site. In summary, the available evidence is currently insufficient to determine the role of this variant in disease. Therefore, it has been classified as a Variant of Uncertain Significance.

Literature cited by the submitters: PubMed 16199547.